The following is an entry in ClinVar:

NM_032638.5(GATA2):c.860G>T (p.Arg287Leu)

Gene: GATA2 (GATA binding protein 2; minus strand). Cytogenetic location: 3q21.3.
Variant type: single nucleotide variant.
Coding change: c.860G>T on transcript NM_032638.5 (MANE Select); coding-DNA position 860, G replaced by T.
Protein change: p.Arg287Leu; replaces arginine 287 with leucine.
Molecular consequence: missense variant.
Genome position (GRCh38, 1-based): chr3:128,485,738, C>A on the plus strand (G>T on the coding strand, the complement: GATA2 is on the minus strand). VCF-style: chr3-128485738-C-A. GRCh37 (hg19) VCF-style: chr3-128204581-C-A.
Other names: c.860G>T, p.Arg287Leu (NM_001145661.2, NM_001145662.1); short protein forms R287L.
Identifiers: ClinVar variation 4827382 (VCV004827382.1).

ClinVar aggregate classification (germline): Uncertain significance (1 of 4 stars; one submission).

Conditions:
Inborn genetic diseases. Identifiers: MedGen C0950123, MeSH D030342.

Submission:

Ambry Genetics
Classification: Uncertain significance for Inborn genetic diseases. Last evaluated: 2026-01-18. Review status: criteria provided, single submitter. Criteria: Ambry Variant Classification Scheme 2023. Collection method: clinical testing. Allele origin: germline.
Comment: The p.R287L variant (also known as c.860G>T), located in coding exon 2 of the GATA2 gene, results from a G to T substitution at nucleotide position 860. The arginine at codon 287 is replaced by leucine, an amino acid with dissimilar properties. This amino acid position is conserved. In addition, this alteration is predicted to be deleterious by in silico analysis. Based on the available evidence, the clinical significance of this variant remains unclear.